The following is an entry in ClinVar:

NM_001793.6(CDH3):c.1146C>G (p.His382Gln)

Gene: CDH3 (cadherin 3; plus strand). Cytogenetic location: 16q22.1.
Variant type: single nucleotide variant.
Coding change: c.1146C>G on transcript NM_001793.6 (MANE Select); coding-DNA position 1146, C replaced by G.
Protein change: p.His382Gln; replaces histidine 382 with glutamine.
Molecular consequence: missense variant.
Genome position (GRCh38, 1-based): chr16:68,682,451, C>G. VCF-style: chr16-68682451-C-G. GRCh37 (hg19) VCF-style: chr16-68716354-C-G.
Other names: c.1146C>G, p.His382Gln (NM_001317195.3); c.981C>G, p.His327Gln (NM_001317196.2); c.1146C>G (NM_001793.4); short protein forms H327Q, H382Q.
Identifiers: ClinVar variation 1935944 (VCV001935944.5), dbSNP rs1370231187, ClinGen allele CA396453344.

ClinVar aggregate classification (germline): Uncertain significance. Review status: criteria provided, multiple submitters, no conflicts (2 of 4 stars). 2 submissions from 2 submitters: Uncertain significance (2). Last evaluated 2025-10-02.

Conditions:
Inborn genetic diseases. Identifiers: MedGen C0950123, MeSH D030342.

gnomAD v4.1: 6 of 1,614,128 alleles (0.00037%); highest among the groups gnomAD compares: Non-Finnish European, 0.00051%; no homozygotes.

Submissions (2):

Ambry Genetics
Classification: Uncertain significance for Inborn genetic diseases. Last evaluated: 2025-10-02. Review status: criteria provided, single submitter. Criteria: Ambry Variant Classification Scheme 2023. Collection method: clinical testing. Allele origin: germline.

Labcorp Genetics (formerly Invitae), Labcorp
Classification: Uncertain significance. Last evaluated: 2022-04-22. Review status: criteria provided, single submitter. Criteria: Invitae Variant Classification Sherloc (09022015). Collection method: clinical testing. Allele origin: germline.
Comment: In summary, the available evidence is currently insufficient to determine the role of this variant in disease. Therefore, it has been classified as a Variant of Uncertain Significance. Algorithms developed to predict the effect of missense changes on protein structure and function are either unavailable or do not agree on the potential impact of this missense change (SIFT: "Not Available"; PolyPhen-2: "Possibly Damaging"; Align-GVGD: "Not Available"). This variant has not been reported in the literature in individuals affected with CDH3-related conditions. This variant is not present in population databases (gnomAD no frequency). This sequence change replaces histidine, which is basic and polar, with glutamine, which is neutral and polar, at codon 382 of the CDH3 protein (p.His382Gln).